The following is an entry in ClinVar:

ClinVar aggregate classification (germline): Pathogenic. Review status: reviewed by expert panel (3 of 4 stars). 26 submissions from 26 submitters: Pathogenic (1). 25 of the submissions do not count toward it. Last evaluated 2013-09-05.

Conditions:
Hereditary nonpolyposis colon cancer (HNPCC). Also called: Hereditary Nonpolyposis Colorectal Cancer Syndrome; Hereditary nonpolyposis colorectal cancer; Familial nonpolyposis colon cancer. Identifiers: Orphanet 443909, MedGen C1333990, MONDO:0018630. Disease mechanism: loss of function.
Lynch-like syndrome.
Hereditary nonpolyposis colorectal neoplasms. Identifiers: MedGen C0009405, MeSH D003123.
Hereditary cancer-predisposing syndrome. Also called: Hereditary Cancer Syndrome; Tumor predisposition; Neoplastic Syndromes, Hereditary; Hereditary neoplastic syndrome. Identifiers: Orphanet 140162, MedGen C0027672, MeSH D009386, MONDO:0015356.
Lynch syndrome. Identifiers: Orphanet 144, MedGen C4552100, MONDO:0005835. Disease mechanism: loss of function.
Lynch syndrome 5 (LYNCH5). Also called: Hereditary non-polyposis colorectal cancer, type 5; Colorectal cancer, hereditary nonpolyposis, type 5. Identifiers: Orphanet 144, MedGen C1833477, MONDO:0013710, OMIM 614350. Disease mechanism: loss of function.
Carcinoma of colon (CRC). Also called: Colonic carcinoma; Colon carcinoma. Identifiers: MedGen C0699790, MONDO:0002032.
Endometrial carcinoma. Also called: Endometrial carcinoma, somatic. Identifiers: MedGen C0476089, MONDO:0002447, OMIM 608089, HP:0012114.

Allele frequency attached by ClinVar (database versions not stated): gnomAD exomes below 0.00001.
gnomAD v4.1: 3 of 1,613,890 alleles (0.00019%); highest among the groups gnomAD compares: South Asian, 0.0011%; no homozygotes.

Submissions 1 to 10 of 26:

International Society for Gastrointestinal Hereditary Tumours (InSiGHT)
Classification: Pathogenic for Lynch Syndrome. Last evaluated: 2013-09-05. Review status: reviewed by expert panel. Criteria: Guidelines v1.9. Collection method: research. Allele origin: germline.
Comment: Coding sequence variation resulting in a stop codon

Classified with v1.9 guidelines

Center for Genomic Medicine, Rigshospitalet, Copenhagen University Hospital
Classification: Pathogenic. Last evaluated: 2025-12-29. Review status: criteria provided, single submitter. Criteria: ACMG Guidelines, 2015. Collection method: clinical testing. Allele origin: germline. Not counted in ClinVar's aggregate classification.
Comment: Classification criteria: PVS1, PM2_supporting, PP4_supporting

Labcorp Genetics (formerly Invitae), Labcorp
Classification: Pathogenic for Hereditary nonpolyposis colorectal neoplasms. Last evaluated: 2025-12-21. Review status: criteria provided, single submitter. Criteria: Invitae Variant Classification Sherloc (09022015). Collection method: clinical testing. Allele origin: germline. Not counted in ClinVar's aggregate classification.
Comment: This sequence change creates a premature translational stop signal (p.Arg495*) in the MSH6 gene. It is expected to result in an absent or disrupted protein product. Loss-of-function variants in MSH6 are known to be pathogenic (PMID: 18269114, 24362816). This variant is present in population databases (rs587779212, gnomAD 0.003%). This premature translational stop signal has been observed in individual(s) with clinical features of Lynch syndrome (PMID: 20587412, 21642682, 26437257, 27601186). Invitae Evidence Modeling of clinical and family history, age, sex, and reported ancestry of multiple individuals with this MSH6 variant has been performed. This variant is expected to be pathogenic with a positive predictive value of at least 99%. This is a validated machine learning model that incorporates the clinical features of 1,627,235 individuals referred to our laboratory for MSH6 testing. ClinVar contains an entry for this variant (Variation ID: 89197). For these reasons, this variant has been classified as Pathogenic.

Ambry Genetics
Classification: Pathogenic for Hereditary cancer-predisposing syndrome. Last evaluated: 2025-07-22. Review status: criteria provided, single submitter. Criteria: Ambry Variant Classification Scheme 2023. Collection method: clinical testing. Allele origin: germline. Not counted in ClinVar's aggregate classification.
Comment: The p.R495* pathogenic mutation (also known as c.1483C>T), located in coding exon 4 of the MSH6 gene, results from a C to T substitution at nucleotide position 1483. This changes the amino acid from an arginine to a stop codon within coding exon 4. This variant has been identified in multiple individuals with personal and/or family history of Lynch syndrome-related cancers (Sjursen W et al. J. Med. Genet. 2010 Sep;47:579-85; Dominguez-Valentin M et al. BMC Urol. 2016 Mar;16:15; Lagerstedt-Robinson K et al. Oncol. Rep. 2016 Nov;36:2823-2835 Beggs AD et al. Breast J. Jan;19:193-5; Rossi BM et al. BMC Cancer. 2017 Sep;17:623). This alteration was also detected in a cohort of 8085 consecutive unselected individuals diagnosed with breast cancer (Sun J et al. Clin. Cancer Res. 2017 Oct;23:6113-6119). This alteration is expected to result in loss of function by premature protein truncation or nonsense-mediated mRNA decay. As such, this alteration is interpreted as a disease-causing mutation.

Department of Clinical Genetics, Copenhagen University Hospital, Rigshospitalet
Classification: Pathogenic for Lynch syndrome. Last evaluated: 2025-02-04. Review status: criteria provided, single submitter. Criteria: ACMG Guidelines, 2015. Collection method: clinical testing. Allele origin: germline. Not counted in ClinVar's aggregate classification.
Comment: PVS1; PM2_SUP; PP4_SUP

Women's Health and Genetics/Laboratory Corporation of America, LabCorp
Classification: Pathogenic for Hereditary nonpolyposis colon cancer. Last evaluated: 2024-06-24. Review status: criteria provided, single submitter. Criteria: LabCorp Variant Classification Summary - May 2015. Collection method: clinical testing. Allele origin: germline. Not counted in ClinVar's aggregate classification.
Comment: Variant summary: MSH6 c.1483C>T (p.Arg495X) results in a premature termination codon, predicted to cause a truncation of the encoded protein or absence of the protein due to nonsense mediated decay, which are commonly known mechanisms for disease. The variant allele was found at a frequency of 4e-06 in 251182 control chromosomes. c.1483C>T has been reported in the literature in individuals affected with Lynch Syndrome (Bonadona_2011). These data do not allow any conclusion about variant significance. To our knowledge, no experimental evidence demonstrating an impact on protein function has been reported. The following publication have been ascertained in the context of this evaluation (PMID: 21642682). ClinVar contains an entry for this variant (Variation ID: 89197). Based on the evidence outlined above, the variant was classified as pathogenic.

GeneDx
Classification: Pathogenic. Last evaluated: 2024-01-21. Review status: criteria provided, single submitter. Criteria: GeneDx Variant Classification Process June 2021. Collection method: clinical testing. Allele origin: germline. Affected: yes. Not counted in ClinVar's aggregate classification.
Comment: Nonsense variant predicted to result in protein truncation or nonsense mediated decay in a gene for which loss of function is a known mechanism of disease; Observed in individuals with a personal and/or family history of Lynch syndrome associated cancers (PMID: 17100999, 20587412, 21642682, 23294250, 26437257, 26845104, 27601186, 31054147); Not observed at significant frequency in large population cohorts (gnomAD); Truncating variants in this gene are considered pathogenic by a well-established clinical consortium and/or database; This variant is associated with the following publications: (PMID: 20587412, 23294250, 26845104, 31054147, 21642682, 17100999, 27013479, 26437257, 27601186, 27742654, 28724667, 28874130, 30787465, 35449176, 33309985, 33693762, 36230473, 37307877, 29922827, 34707409, 37732318, 34873480)

Baylor Genetics
Classification: Pathogenic for Endometrial carcinoma. Last evaluated: 2024-01-20. Review status: criteria provided, single submitter. Criteria: ACMG Guidelines, 2015. Collection method: clinical testing. Allele origin: unknown. Not counted in ClinVar's aggregate classification.

All of Us Research Program, National Institutes of Health
Classification: Pathogenic for Lynch syndrome. Last evaluated: 2023-12-18. Review status: criteria provided, single submitter. Criteria: ACMG Guidelines, 2015. Collection method: clinical testing. Allele origin: germline. Inheritance: Autosomal dominant inheritance. Observed: 1 variant allele, 1 heterozygote. Not counted in ClinVar's aggregate classification.
Comment: This variant changes 1 nucleotide in exon 4 of the MSH6 gene, creating a premature translation stop signal. This variant is expected to result in an absent or non-functional protein product. To our knowledge, functional studies have not been reported for this variant. This variant has been reported in individuals affected with Lynch syndrome (PMID: 20587412, 21642682, 23294250, 26437257, 27601186, 27013479, 28874130) and breast cancer (PMID: 33471991, 28724667). This variant has been identified in 1/251182 chromosomes in the general population by the Genome Aggregation Database (gnomAD). Loss of MSH6 function is a known mechanism of disease. Based on the available evidence, this variant is classified as Pathogenic.

This study involves interpretation of variants in research participants for the purpose of population health screening. Participant phenotype was not available at the time of variant classification. Additional details can be found in publication PMID: 35346344, PMCID: PMC8962531

Institute for Biomarker Research, Medical Diagnostic Laboratories, L.L.C.
Classification: Pathogenic for Hereditary cancer-predisposing syndrome. Last evaluated: 2023-11-14. Review status: criteria provided, single submitter. Criteria: ACMG Guidelines, 2015. Collection method: clinical testing. Allele origin: germline. Not counted in ClinVar's aggregate classification.

NM_000179.3(MSH6):c.1483C>T (p.Arg495Ter)

Gene: MSH6 (mutS homolog 6; plus strand). Cytogenetic location: 2p16.3.
Variant type: single nucleotide variant.
Coding change: c.1483C>T on transcript NM_000179.3 (MANE Select); coding-DNA position 1483, C replaced by T.
Protein change: p.Arg495Ter; replaces arginine 495 with a stop codon.
Molecular consequence: nonsense.
Genome position (GRCh38, 1-based): chr2:47,799,466, C>T. VCF-style: chr2-47799466-C-T. GRCh37 (hg19) VCF-style: chr2-48026605-C-T.
Other names: c.1093C>T, p.Arg365Ter (NM_001281492.2); c.577C>T, p.Arg193Ter (NM_001281493.2, NM_001281494.2); short protein forms R495*, R193*, R365*.
Identifiers: ClinVar variation 89197 (VCV000089197.68), dbSNP rs587779212, ClinGen allele CA008701.